The following is an entry in ClinVar:

ClinVar aggregate classification (germline): Likely benign. Review status: reviewed by expert panel (3 of 4 stars). 9 submissions from 9 submitters: Likely benign (1). 8 of the submissions do not count toward it. Last evaluated 2017-06-29.

Conditions:
Hereditary breast ovarian cancer syndrome. Also called: Breast and ovarian cancer; BRCA1- and BRCA2-Associated Hereditary Breast and Ovarian Cancer; Hereditary breast and ovarian cancer syndrome; Hereditary breast and ovarian cancer syndrome (HBOC); Hereditary breast and/or ovarian cancer syndrome; Hereditary breast and ovarian cancer. Identifiers: Orphanet 145, MedGen C0677776, MeSH D061325, MONDO:0003582. Disease mechanism: loss of function.
Breast-ovarian cancer, familial, susceptibility to, 2 (BROVCA2). Also called: BRCA2 Hereditary Breast and Ovarian Cancer. Identifiers: Orphanet 145, MedGen C2675520, MONDO:0012933, OMIM 612555. Disease mechanism: loss of function.
Hereditary cancer-predisposing syndrome. Also called: Neoplastic Syndromes, Hereditary; Hereditary Cancer Syndrome; Tumor predisposition; Hereditary neoplastic syndrome. Identifiers: Orphanet 140162, MedGen C0027672, MeSH D009386, MONDO:0015356.

Allele frequency attached by ClinVar (database versions not stated): gnomAD 0.00001; TOPMed 0.00002; ExAC 0.00003; gnomAD exomes 0.00003; 1000 Genomes Project 0.00020; 1000 Genomes Project 30x 0.00031.

Submissions (9):

Evidence-based Network for the Interpretation of Germline Mutant Alleles (ENIGMA)
Classification: Likely benign for Breast-ovarian cancer, familial, susceptibility to, 2. Last evaluated: 2017-06-29. Review status: reviewed by expert panel. Criteria: ENIGMA BRCA1/2 Classification Criteria (2017-06-29). Collection method: curation. Allele origin: germline.
Comment: Synonymous substitution variant, with low bioinformatic likelihood to result in a splicing aberration (Splicing prior probability 0.02).

Labcorp Genetics (formerly Invitae), Labcorp
Classification: Likely benign for Hereditary breast ovarian cancer syndrome. Last evaluated: 2026-01-11. Review status: criteria provided, single submitter. Criteria: Invitae Variant Classification Sherloc (09022015). Collection method: clinical testing. Allele origin: germline. Not counted in ClinVar's aggregate classification.

Ambry Genetics
Classification: Likely benign for Hereditary cancer-predisposing syndrome. Last evaluated: 2024-05-14. Review status: criteria provided, single submitter. Criteria: Ambry Variant Classification Scheme 2023. Collection method: clinical testing. Allele origin: germline. Not counted in ClinVar's aggregate classification.

Blueprint Genetics
Classification: Likely benign. Last evaluated: 2023-10-20. Review status: criteria provided, single submitter. Criteria: ACMG Guidelines, 2015. Collection method: clinical testing. Allele origin: germline. Not counted in ClinVar's aggregate classification.

All of Us Research Program, National Institutes of Health
Classification: Likely benign for Breast-ovarian cancer, familial, susceptibility to, 2. Last evaluated: 2023-08-15. Review status: criteria provided, single submitter. Criteria: ACMG Guidelines, 2015. Collection method: clinical testing. Allele origin: germline. Inheritance: Autosomal dominant inheritance. Observed: 2 variant alleles, 2 heterozygotes. Not counted in ClinVar's aggregate classification.
Comment: This study involves interpretation of variants in research participants for the purpose of population health screening. Participant phenotype was not available at the time of variant classification. Additional details can be found in publication PMID: 35346344, PMCID: PMC8962531

GeneDx
Classification: Likely benign. Last evaluated: 2020-11-26. Review status: criteria provided, single submitter. Criteria: GeneDx Variant Classification Process June 2021. Collection method: clinical testing. Allele origin: germline. Affected: yes. Not counted in ClinVar's aggregate classification.
Comment: This variant is associated with the following publications: (PMID: 25961944, 26070784)

Color Diagnostics, LLC DBA Color Health
Classification: Likely benign for Hereditary cancer-predisposing syndrome. Last evaluated: 2018-11-05. Review status: criteria provided, single submitter. Criteria: ACMG Guidelines, 2015. Collection method: clinical testing. Allele origin: germline. Not counted in ClinVar's aggregate classification.

Women's Health and Genetics/Laboratory Corporation of America, LabCorp
Classification: Likely benign. Last evaluated: 2016-04-22. Review status: criteria provided, single submitter. Criteria: LabCorp Variant Classification Summary - May 2015. Collection method: clinical testing. Allele origin: germline. Not counted in ClinVar's aggregate classification.
Comment: Variant summary: Variant affects a non-conserved nucleotide and results in a synonymous mutation. 4/5 in silico tools via Alamut predict the variant not to have an impact on splicing. It was observed in the large and broad cohorts of the ExAC project at an allele frequency of 1/30182 which does not exceed the maximal allele frequency of a disease causing BRCA2 allele (1/1333). To our knowledge, the variant was not reported in HBOC patients with strong evidence for pathogenicity. A functional study reported the variant not to have an impact on splicing (Houdayer_BRCA1&2_HM_2012). UMD lists variant with a classification of Likely neutral. Considering all evidence, the variant was classified as Likely Benign.

Mayo Clinic Laboratories, Mayo Clinic
Classification: Likely benign. Last evaluated: 2017-01-26. Review status: no assertion criteria provided. Collection method: clinical testing. Allele origin: unknown. Not counted in ClinVar's aggregate classification.

Literature cited by the submitters: PubMed 18403564 (cited by Women's Health and Genetics/Laboratory Corporation of America, LabCorp); PubMed 22505045 (cited by Women's Health and Genetics/Laboratory Corporation of America, LabCorp).

NM_000059.4(BRCA2):c.7632C>T (p.Gly2544=)

Gene: BRCA2 (BRCA2 DNA repair associated; plus strand). Cytogenetic location: 13q13.1.
Variant type: single nucleotide variant.
Coding change: c.7632C>T on transcript NM_000059.4 (MANE Select); coding-DNA position 7632, C replaced by T.
Protein change: p.Gly2544=; no amino-acid change (glycine 2544 retained).
Molecular consequence: synonymous variant.
Genome position (GRCh38, 1-based): chr13:32,357,756, C>T. VCF-style: chr13-32357756-C-T. GRCh37 (hg19) VCF-style: chr13-32931893-C-T.
Identifiers: ClinVar variation 233019 (VCV000233019.27), dbSNP rs551834979, ClinGen allele CA6941125.